The following is an entry in ClinVar:

ClinVar aggregate classification (germline): Uncertain significance. Review status: criteria provided, multiple submitters, no conflicts (2 of 4 stars). 2 submissions from 2 submitters: Uncertain significance (2). Last evaluated 2026-05-14.

Conditions:
Inborn genetic diseases. Identifiers: MedGen C0950123, MeSH D030342.

Submissions (2):

Ambry Genetics
Classification: Uncertain significance for Inborn genetic diseases. Last evaluated: 2026-05-14. Review status: criteria provided, single submitter. Criteria: Ambry Variant Classification Scheme 2023. Collection method: clinical testing. Allele origin: germline.

Labcorp Genetics (formerly Invitae), Labcorp
Classification: Uncertain significance. Last evaluated: 2024-02-23. Review status: criteria provided, single submitter. Criteria: Invitae Variant Classification Sherloc (09022015). Collection method: clinical testing. Allele origin: germline.
Comment: This sequence change replaces proline, which is neutral and non-polar, with alanine, which is neutral and non-polar, at codon 1261 of the KMT2A protein (p.Pro1261Ala). This variant is not present in population databases (gnomAD no frequency). This variant has not been reported in the literature in individuals affected with KMT2A-related conditions. Advanced modeling of protein sequence and biophysical properties (such as structural, functional, and spatial information, amino acid conservation, physicochemical variation, residue mobility, and thermodynamic stability) has been performed at Invitae for this missense variant, however the output from this modeling did not meet the statistical confidence thresholds required to predict the impact of this variant on KMT2A protein function. In summary, the available evidence is currently insufficient to determine the role of this variant in disease. Therefore, it has been classified as a Variant of Uncertain Significance.

NM_001197104.2(KMT2A):c.3781C>G (p.Pro1261Ala)

Gene: KMT2A (lysine methyltransferase 2A; plus strand). Cytogenetic location: 11q23.3.
Variant type: single nucleotide variant.
Coding change: c.3781C>G on transcript NM_001197104.2 (MANE Select); coding-DNA position 3781, C replaced by G.
Protein change: p.Pro1261Ala; replaces proline 1261 with alanine.
Molecular consequence: missense variant.
Genome position (GRCh38, 1-based): chr11:118,481,861, C>G. VCF-style: chr11-118481861-C-G. GRCh37 (hg19) VCF-style: chr11-118352576-C-G.
Other names: c.3880C>G, p.Pro1294Ala (NM_001412597.1); c.3781C>G, p.Pro1261Ala (NM_005933.4); short protein forms P1294A, P1261A.
Identifiers: ClinVar variation 2803991 (VCV002803991.4), dbSNP rs2134300079, ClinGen allele CA382827880.